The following is an entry in ClinVar:

ClinVar aggregate classification (germline): Benign (1 of 4 stars; one submission).

Conditions:
Tuberous sclerosis 1 (TSC1). Identifiers: Orphanet 805, MedGen C1854465, MONDO:0008612, OMIM 191100.

Submission:

Myriad Genetics, Inc.
Classification: Benign for Tuberous sclerosis 1. Last evaluated: 2025-04-08. Review status: criteria provided, single submitter. Criteria: Myriad Autosomal Dominant, Autosomal Recessive and X-Linked Classification Criteria (2023). Collection method: clinical testing. Allele origin: unknown.
Comment: This variant is considered benign. This variant is a silent/synonymous amino acid change and it is not expected to impact splicing.

NM_000368.5(TSC1):c.337T>C (p.Leu113=)

Gene: TSC1 (TSC complex subunit 1; minus strand). Cytogenetic location: 9q34.13.
Variant type: single nucleotide variant.
Coding change: c.337T>C on transcript NM_000368.5 (MANE Select); coding-DNA position 337, T replaced by C.
Protein change: p.Leu113=; no amino-acid change (leucine 113 retained).
Molecular consequence: synonymous variant. On other transcripts: 5 prime UTR variant (18), non-coding transcript variant (5), intron variant (5).
Genome position (GRCh38, 1-based): chr9:132,925,613, A>G on the plus strand (T>C on the coding strand, the complement: TSC1 is on the minus strand). VCF-style: chr9-132925613-A-G. GRCh37 (hg19) VCF-style: chr9-135801000-A-G.
Other names: c.-541T>C (NM_001406627.1, NM_001406628.1, NM_001406626.1); c.-683T>C (NM_001406629.1); c.-757T>C (NM_001406630.1); c.210+1588T>C (NM_001406613.1, NM_001406612.1, NM_001406610.1 and 2 more transcripts); c.337T>C, p.Leu113= (NM_001162426.2, NM_001406592.1, NM_001406593.1 and 16 more transcripts); c.-27T>C (NM_001362177.2, NM_001406617.1, NM_001406618.1 and 5 more transcripts); c.-119T>C (NM_001406614.1, NM_001406616.1, NM_001406624.1); c.-152T>C (NM_001406615.1, NM_001406623.1).
Identifiers: ClinVar variation 4071320 (VCV004071320.1).